The following is an entry in ClinVar:

ClinVar aggregate classification (germline): Conflicting classifications of pathogenicity. Review status: criteria provided, conflicting classifications (1 of 4 stars). 13 submissions from 13 submitters: Uncertain significance (7); Likely benign (6). Last evaluated 2026-06-30.

Conditions:
Autoinflammatory syndrome. Identifiers: Orphanet 93665, MedGen C3890737, MONDO:0019751.
Inborn genetic diseases. Identifiers: MedGen C0950123, MeSH D030342.
Familial amyloid nephropathy with urticaria AND deafness (MWS). Also called: UDA SYNDROME; URTICARIA-DEAFNESS-AMYLOIDOSIS SYNDROME; MUCKLE-WELLS SYNDROME; CRYOPYRIN-ASSOCIATED PERIODIC SYNDROME 2; Urticaria, deafness and amyloidosis. Identifiers: Orphanet 575, MedGen C0268390, MONDO:0008633, OMIM 191900.
Hearing loss, autosomal dominant 34, with or without inflammation. Also called: DEAFNESS, AUTOSOMAL DOMINANT 34, WITH OR WITHOUT INFLAMMATION. Identifiers: MedGen C4521680, MONDO:0033261, OMIM 617772.
Familial cold autoinflammatory syndrome 1 (FCAS1). Also called: Familial cold inflammatory syndrome 1; CRYOPYRIN-ASSOCIATED PERIODIC SYNDROME 1. Identifiers: Orphanet 47045, MedGen C4551895, MONDO:0007349, OMIM 120100.
Chronic infantile neurological, cutaneous and articular syndrome (CINCA). Also called: CINCA syndrome; CRYOPYRIN-ASSOCIATED PERIODIC SYNDROME 3; Prieur Griscelli syndrome; CHRONIC NEUROLOGIC CUTANEOUS AND ARTICULAR SYNDROME. Identifiers: Orphanet 1451, MedGen C0409818, MONDO:0011776, OMIM 607115.
Keratitis fugax hereditaria. Also called: KERATOENDOTHELIITIS FUGAX HEREDITARIA. Identifiers: Orphanet 647815, MedGen C1835697, MONDO:0007849, OMIM 148200.
NLRP3-related disorder. Also called: NLRP3-related condition; NLRP3-Related Disorders.
Cryopyrin associated periodic syndrome (CAPS). Identifiers: Orphanet 208650, MedGen C2316212, MONDO:0016168.
Cleft palate. Identifiers: Orphanet 2014, MedGen C2981150, MONDO:0016064, HP:0000175.

Allele frequency attached by ClinVar (database versions not stated): TOPMed 0.00025; gnomAD 0.00026 and 0.00029; ESP Exome Variant Server 0.00038.
gnomAD v4.1: 414 of 1,613,566 alleles (0.026%); highest among the groups gnomAD compares: Non-Finnish European, 0.032%; no homozygotes.

Submissions (13):

PreventionGenetics, part of Exact Sciences
Classification: Uncertain significance for NLRP3-related condition. Last evaluated: 2026-06-30. Review status: criteria provided, single submitter. Criteria: ACMG Guidelines, 2015. Collection method: clinical testing. Allele origin: germline.
Comment: The NLRP3 c.410G>A variant is predicted to result in the amino acid substitution p.Arg137His. This variant was reported in an individual with cryopyrin-associated periodic syndrome (described as p.Arg135His, Lainka et al. 2010. PubMed ID: 21058222) and in a cohort of patients with kidney and genitourinary disorders (Rasouly et al. 2018. PubMed ID: 30476936; Kars et al. 2021. PubMed ID: 34426522). This variant is reported in 0.049% of alleles in individuals of European (Non-Finnish) descent in gnomAD. Although we suspect that this variant may be benign, at this time, the clinical significance of this variant is uncertain due to the absence of conclusive functional and genetic evidence.

Labcorp Genetics (formerly Invitae), Labcorp
Classification: Uncertain significance for Cryopyrin associated periodic syndrome. Last evaluated: 2026-02-01. Review status: criteria provided, single submitter. Criteria: Invitae Variant Classification Sherloc (09022015). Collection method: clinical testing. Allele origin: germline.
Comment: This sequence change replaces arginine, which is basic and polar, with histidine, which is basic and polar, at codon 137 of the NLRP3 protein (p.Arg137His). This variant is present in population databases (rs138946894, gnomAD 0.05%), and has an allele count higher than expected for a pathogenic variant. This missense change has been observed in individual(s) with Muckle-Wells syndrome (PMID: 21058222). This variant is also known as R135H. ClinVar contains an entry for this variant (Variation ID: 234288). Invitae Evidence Modeling of protein sequence and biophysical properties (such as structural, functional, and spatial information, amino acid conservation, physicochemical variation, residue mobility, and thermodynamic stability) has been performed for this missense variant. However, the output from this modeling did not meet the statistical confidence thresholds required to predict the impact of this variant on NLRP3 protein function. In summary, the available evidence is currently insufficient to determine the role of this variant in disease. Therefore, it has been classified as a Variant of Uncertain Significance.

Laboratory of Genetics, Children's Clinical University Hospital Latvia
Classification: Likely benign. Last evaluated: 2025-02-16. Review status: criteria provided, single submitter. Criteria: ACMG Guidelines, 2015. Collection method: clinical testing. Allele origin: germline. Affected: yes.

Women's Health and Genetics/Laboratory Corporation of America, LabCorp
Classification: Likely benign. Last evaluated: 2024-11-18. Review status: criteria provided, single submitter. Criteria: LabCorp Variant Classification Summary - May 2015. Collection method: clinical testing. Allele origin: germline.
Comment: Variant summary: NLRP3 c.410G>A (p.Arg137His) results in a non-conservative amino acid change located in the P-loop containing nucleotide triphosphate hydrolases domain (IPR027417) of the encoded protein sequence. Three of four in-silico tools predict a benign effect of the variant on protein function. The variant allele was found at a frequency of 0.00024 in 250906 control chromosomes (gnomAD). The observed variant frequency is approximately 383 fold of the estimated maximal expected allele frequency for a pathogenic variant in NLRP3 causing Cryopyrin Associated Periodic Syndrome phenotype (6.3e-07). To our knowledge, no experimental evidence demonstrating its impact on protein function have been reported. ClinVar contains an entry for this variant (Variation ID: 234288). Based on the evidence outlined above, the variant was classified as likely benign.

Blueprint Genetics
Classification: Likely benign. Last evaluated: 2024-10-16. Review status: criteria provided, single submitter. Criteria: ACMG Guidelines, 2015. Collection method: clinical testing. Allele origin: germline.

GeneDx
Classification: Uncertain significance. Last evaluated: 2024-08-06. Review status: criteria provided, single submitter. Criteria: GeneDx Variant Classification Process June 2021. Collection method: clinical testing. Allele origin: germline. Affected: yes.
Comment: In silico analysis indicates that this missense variant does not alter protein structure/function; Also denoted as R135H due to alternative nomenclature; This variant is associated with the following publications: (PMID: 26774591, 34426522, 30476936, 32199921, 26299986, 34893352, 33329557, 37747561, 32983099, 32082075, 21058222)

Fulgent Genetics
Classification: Likely benign for Familial cold autoinflammatory syndrome 1; Keratitis fugax hereditaria; Familial amyloid nephropathy with urticaria AND deafness; Chronic infantile neurological, cutaneous and articular syndrome; Hearing loss, autosomal dominant 34, with or without inflammation. Last evaluated: 2024-04-06. Review status: criteria provided, single submitter. Criteria: ACMG Guidelines, 2015. Collection method: clinical testing. Allele origin: germline.

CeGaT Center for Human Genetics Tuebingen
Classification: Likely benign. Last evaluated: 2022-11-01. Review status: criteria provided, single submitter. Criteria: CeGaT Center For Human Genetics Tuebingen Variant Classification Criteria Version 2. Collection method: clinical testing. Allele origin: germline. Affected: yes. Observed: 5 variant alleles.
Comment: NLRP3: BP4, BS2

MGZ Medical Genetics Center
Classification: Uncertain significance for Familial amyloid nephropathy with urticaria AND deafness. Last evaluated: 2022-08-01. Review status: criteria provided, single submitter. Criteria: ACMG Guidelines, 2015. Collection method: clinical testing. Allele origin: germline. Affected: yes. Observed: 2 variant alleles.
Comment: ACMG criteria applied: PS4_MOD, PM2_SUP, BS1_SUP

Ambry Genetics
Classification: Uncertain significance for Inborn genetic diseases. Last evaluated: 2022-05-10. Review status: criteria provided, single submitter. Criteria: Ambry Variant Classification Scheme 2023. Collection method: clinical testing. Allele origin: germline.

Genome Diagnostics Laboratory, The Hospital for Sick Children
Classification: Uncertain significance for Autoinflammatory syndrome. Last evaluated: 2021-02-26. Review status: criteria provided, single submitter. Criteria: ACMG Guidelines, 2015. Collection method: clinical testing. Allele origin: germline. Affected: yes.

Cambridge Genomics Laboratory, East Genomic Laboratory Hub, NHS Genomic Medicine Service
Classification: Uncertain significance for Cleft palate. Last evaluated: 2020-04-29. Review status: criteria provided, single submitter. Criteria: ACGS Best Practice Guidelines for Variant Classification in Rare Disease 2020. Collection method: clinical testing. Allele origin: germline. Affected: yes. Observed: 1 variant allele.

Laboratory for Molecular Medicine, Mass General Brigham Personalized Medicine
Classification: Likely benign. Last evaluated: 2020-03-04. Review status: criteria provided, single submitter. Criteria: LMM Criteria. Collection method: clinical testing. Allele origin: germline. Observed: 1 variant allele.
Comment: The p.Arg137His variant in NLRP3 is classified as likely benign because it has been identified in 0.05% (63/128894) of European chromosomes by gnomAD. ACMG/AMP Criteria applied: BS1.

Literature cited by the submitters: PubMed 21058222 (cited by 3 submitters).

NM_001243133.2(NLRP3):c.404G>A (p.Arg135His)

Gene: NLRP3 (NLR family pyrin domain containing 3; plus strand). Cytogenetic location: 1q44.
Variant type: single nucleotide variant.
Coding change: c.404G>A on transcript NM_001243133.2 (MANE Select); coding-DNA position 404, G replaced by A.
Protein change: p.Arg135His; replaces arginine 135 with histidine.
Molecular consequence: missense variant.
Genome position (GRCh38, 1-based): chr1:247,423,853, G>A. VCF-style: chr1-247423853-G-A. GRCh37 (hg19) VCF-style: chr1-247587155-G-A.
Other names: c.404G>A, p.Arg135His (NM_001079821.3, NM_001127461.3, NM_001127462.3 and 1 more transcripts); c.410G>A, p.Arg137His (NM_004895.5); short protein forms R137H, R135H.
Identifiers: ClinVar variation 234288 (VCV000234288.67), dbSNP rs138946894, ClinGen allele CA1494868.